The following is an entry in ClinVar:

ClinVar aggregate classification (germline): Uncertain significance (1 of 4 stars; one submission).

Allele frequency attached by ClinVar (database versions not stated): TOPMed below 0.00001.

Submission:

Ambry Genetics
Classification: Uncertain significance. Last evaluated: 2022-09-26. Review status: criteria provided, single submitter. Criteria: Ambry Variant Classification Scheme 2023. Collection method: clinical testing. Allele origin: germline.
Comment: The p.P903S variant (also known as c.2707C>T), located in coding exon 15 of the PALLD gene, results from a C to T substitution at nucleotide position 2707. The proline at codon 903 is replaced by serine, an amino acid with similar properties. This amino acid position is conserved. In addition, this alteration is predicted to be tolerated by in silico analysis. Since supporting evidence is limited at this time, the clinical significance of this alteration remains unclear.

NM_001166108.2(PALLD):c.2758C>T (p.Pro920Ser)

Genes: CBR4 (carbonyl reductase 4; minus strand), PALLD (palladin, cytoskeletal associated protein; plus strand). Cytogenetic location: 4q32.3.
Variant type: single nucleotide variant.
Coding change: c.2758C>T on transcript NM_001166108.2 (MANE Select); coding-DNA position 2758, C replaced by T.
Protein change: p.Pro920Ser; replaces proline 920 with serine.
Molecular consequence: missense variant.
Genome position (GRCh38, 1-based): chr4:168,915,935, C>T. VCF-style: chr4-168915935-C-T. GRCh37 (hg19) VCF-style: chr4-169837086-C-T.
Other names: c.1561C>T, p.Pro521Ser (NM_001166109.2); c.1246C>T, p.Pro416Ser (NM_001166110.2); c.586C>T, p.Pro196Ser (NM_001367567.1, NM_001367569.1); c.637C>T, p.Pro213Ser (NM_001367568.1, NM_001367570.1); c.2707C>T, p.Pro903Ser (NM_016081.4); short protein forms P196S, P213S, P903S, P416S, P521S, P920S.
Identifiers: ClinVar variation 1794997 (VCV001794997.2), dbSNP rs1351963891, ClinGen allele CA358706632.